The following is an entry in ClinVar:

NM_001437.3(ESR2):c.369A>C (p.Thr123=)

Gene: ESR2 (estrogen receptor 2; minus strand). Cytogenetic location: 14q23.2.
Variant type: single nucleotide variant.
Coding change: c.369A>C on transcript NM_001437.3 (MANE Select); coding-DNA position 369, A replaced by C.
Protein change: p.Thr123=; no amino-acid change (threonine 123 retained).
Molecular consequence: synonymous variant. On other transcripts: non-coding transcript variant (1).
Genome position (GRCh38, 1-based): chr14:64,280,147, T>G on the plus strand (A>C on the coding strand, the complement: ESR2 is on the minus strand). VCF-style: chr14-64280147-T-G. GRCh37 (hg19) VCF-style: chr14-64746865-T-G.
Other names: c.369A>C, p.Thr123= (NM_001040275.1, NM_001214902.1, NM_001271876.1 and 3 more transcripts).
Identifiers: ClinVar variation 735951 (VCV000735951.6), dbSNP rs142771803, ClinGen allele CA7225608.

ClinVar aggregate classification (germline): Likely benign. Review status: criteria provided, multiple submitters, no conflicts (2 of 4 stars). 3 submissions from 3 submitters: Likely benign (2). 1 of the submissions does not count toward it. Last evaluated 2024-11-04.

Conditions:
ESR2-related disorder. Also called: ESR2-related condition.

Allele frequency attached by ClinVar (database versions not stated): ExAC 0.00002; gnomAD exomes 0.00002; gnomAD 0.00004 and 0.00005; TOPMed 0.00005; ESP Exome Variant Server 0.00008.
gnomAD v4.1: 24 of 1,613,522 alleles (0.0015%); highest among the groups gnomAD compares: Admixed American, 0.01%; no homozygotes.

Submissions (3):

Blueprint Genetics
Classification: Likely benign. Last evaluated: 2024-11-04. Review status: criteria provided, single submitter. Criteria: ACMG Guidelines, 2015. Collection method: clinical testing. Allele origin: germline.

Labcorp Genetics (formerly Invitae), Labcorp
Classification: Likely benign. Last evaluated: 2018-03-06. Review status: criteria provided, single submitter. Criteria: Invitae Variant Classification Sherloc (09022015). Collection method: clinical testing. Allele origin: germline.

PreventionGenetics, part of Exact Sciences
Classification: Likely benign for ESR2-related condition. Last evaluated: 2019-06-19. Review status: no assertion criteria provided. Collection method: clinical testing. Allele origin: germline. Not counted in ClinVar's aggregate classification.
Comment: This variant is classified as likely benign based on ACMG/AMP sequence variant interpretation guidelines (Richards et al. 2015 PMID: 25741868, with internal and published modifications).